The following is an entry in ClinVar:

NM_003995.4(NPR2):c.1533A>G (p.Ala511=)

Gene: NPR2 (natriuretic peptide receptor 2; plus strand). Cytogenetic location: 9p13.3.
Variant type: single nucleotide variant.
Coding change: c.1533A>G on transcript NM_003995.4 (MANE Select); coding-DNA position 1533, A replaced by G.
Protein change: p.Ala511=; no amino-acid change (alanine 511 retained).
Molecular consequence: synonymous variant.
Genome position (GRCh38, 1-based): chr9:35,801,739, A>G. VCF-style: chr9-35801739-A-G. GRCh37 (hg19) VCF-style: chr9-35801736-A-G.
Other names: c.1542A>G, p.Ala514= (NM_001378923.1); c.1533A>G (NM_003995.3).
Identifiers: ClinVar variation 1948463 (VCV001948463.7), dbSNP rs1459552048, ClinGen allele CA464461087.

ClinVar aggregate classification (germline): Uncertain significance. Review status: criteria provided, multiple submitters, no conflicts (2 of 4 stars). 2 submissions from 2 submitters: Uncertain significance (2). Last evaluated 2025-05-21.

Conditions:
Short stature with nonspecific skeletal abnormalities. Identifiers: MedGen C4225399, MONDO:0975810.
Acromesomelic dysplasia 1, Maroteaux type (AMD1). Also called: ACROMESOMELIC DYSPLASIA 1; ST. HELENA DYSPLASIA. Identifiers: Orphanet 40, MedGen C1864356, MONDO:0011275, OMIM 602875.
Tall stature-scoliosis-macrodactyly of the great toes syndrome. Also called: Epiphyseal chondrodysplasia, miura type. Identifiers: Orphanet 329191, MedGen C4014690, MONDO:0014401, OMIM 615923.

Allele frequency attached by ClinVar (database versions not stated): TOPMed 0.00001; gnomAD 0.00001.
gnomAD v4.1: 13 of 1,614,094 alleles (0.00081%); highest among the groups gnomAD compares: Non-Finnish European, 0.0011%; no homozygotes.

Submissions (2):

GeneDx
Classification: Uncertain significance. Last evaluated: 2025-05-21. Review status: criteria provided, single submitter. Criteria: GeneDx Variant Classification Process June 2021. Collection method: clinical testing. Allele origin: germline. Affected: yes.
Comment: In silico analysis supports a deleterious effect on splicing; Has not been previously published as pathogenic or benign to our knowledge

Labcorp Genetics (formerly Invitae), Labcorp
Classification: Uncertain significance for Tall stature-scoliosis-macrodactyly of the great toes syndrome; Acromesomelic dysplasia 1, Maroteaux type. Last evaluated: 2023-05-08. Review status: criteria provided, single submitter. Criteria: Invitae Variant Classification Sherloc (09022015). Collection method: clinical testing. Allele origin: germline.
Comment: This sequence change affects codon 511 of the NPR2 mRNA. It is a 'silent' change, meaning that it does not change the encoded amino acid sequence of the NPR2 protein. In summary, the available evidence is currently insufficient to determine the role of this variant in disease. Therefore, it has been classified as a Variant of Uncertain Significance. Algorithms developed to predict the effect of sequence changes on RNA splicing suggest that this variant may create or strengthen a splice site. ClinVar contains an entry for this variant (Variation ID: 1948463). This variant has not been reported in the literature in individuals affected with NPR2-related conditions. This variant is present in population databases (no rsID available, gnomAD 0.002%).